The following is an entry in ClinVar:

NM_001009944.3(PKD1):c.6204C>T (p.Ser2068=)

Gene: PKD1 (polycystin 1, transient receptor potential channel interacting; minus strand). Cytogenetic location: 16p13.3.
Variant type: single nucleotide variant.
Coding change: c.6204C>T on transcript NM_001009944.3 (MANE Select); coding-DNA position 6204, C replaced by T.
Protein change: p.Ser2068=; no amino-acid change (serine 2068 retained).
Molecular consequence: synonymous variant.
Genome position (GRCh38, 1-based): chr16:2,108,963, G>A on the plus strand (C>T on the coding strand, the complement: PKD1 is on the minus strand). VCF-style: chr16-2108963-G-A. GRCh37 (hg19) VCF-style: chr16-2158964-G-A.
Other names: c.6204C>T, p.Ser2068= (NM_000296.4).
Identifiers: ClinVar variation 2646012 (VCV002646012.27), dbSNP rs141524278, ClinGen allele CA7831677.

ClinVar aggregate classification (germline): Likely benign. Review status: criteria provided, multiple submitters, no conflicts (2 of 4 stars). 4 submissions from 4 submitters: Likely benign (4). Last evaluated 2026-03-01.

Conditions:
Polycystic kidney disease, adult type (PKD1). Also called: POLYCYSTIC KIDNEY DISEASE, ADULT, TYPE I; Polycystic Kidney Disease 1, Autosomal Dominant; Polycystic kidney disease 1; Polycystic kidney disease 1, severe; Polycystic Kidney, Autosomal Dominant; POLYCYSTIC KIDNEY DISEASE 1 WITH OR WITHOUT POLYCYSTIC LIVER DISEASE. Identifiers: MedGen C3149841, MONDO:0008263, OMIM 173900.

Allele frequency attached by ClinVar (database versions not stated): ExAC 0.00041; TOPMed 0.00048; gnomAD 0.00058; gnomAD exomes 0.00075; ESP Exome Variant Server 0.00109.
gnomAD v4.1: 1,198 of 1,608,776 alleles (0.074%); highest among the groups gnomAD compares: Non-Finnish European, 0.092%; 1 homozygote.

Submissions (4):

CeGaT Center for Human Genetics Tuebingen
Classification: Likely benign. Last evaluated: 2026-03-01. Review status: criteria provided, single submitter. Criteria: CeGaT Center For Human Genetics Tuebingen Variant Classification Criteria Version 2. Collection method: clinical testing. Allele origin: germline. Affected: yes. Observed: 3 variant alleles.
Comment: PKD1: BP4, BP7

Department of Pathology and Laboratory Medicine, Sinai Health System
Classification: Likely benign for Polycystic kidney disease, adult type. Last evaluated: 2024-11-06. Review status: criteria provided, single submitter. Criteria: ACMG Guidelines, 2015. Collection method: clinical testing. Allele origin: germline.

Blueprint Genetics
Classification: Likely benign. Last evaluated: 2024-09-19. Review status: criteria provided, single submitter. Criteria: ACMG Guidelines, 2015. Collection method: clinical testing. Allele origin: germline.

Women's Health and Genetics/Laboratory Corporation of America, LabCorp
Classification: Likely benign. Last evaluated: 2024-08-20. Review status: criteria provided, single submitter. Criteria: LabCorp Variant Classification Summary - May 2015. Collection method: clinical testing. Allele origin: germline.